The following is an entry in ClinVar:

NM_001129820.2(SLFN14):c.1583G>A (p.Arg528His)

Gene: SLFN14 (schlafen family member 14; minus strand). Cytogenetic location: 17q12.
Variant type: single nucleotide variant.
Coding change: c.1583G>A on transcript NM_001129820.2 (MANE Select); coding-DNA position 1583, G replaced by A.
Protein change: p.Arg528His; replaces arginine 528 with histidine.
Molecular consequence: missense variant.
Genome position (GRCh38, 1-based): chr17:35,553,051, C>T on the plus strand (G>A on the coding strand, the complement: SLFN14 is on the minus strand). VCF-style: chr17-35553051-C-T. GRCh37 (hg19) VCF-style: chr17-33880070-C-T.
Other names: p.Arg528His; short protein forms R528H.
Identifiers: ClinVar variation 1338131 (VCV001338131.8), dbSNP rs147826084, ClinGen allele CA8504617.
Genomic context (GRCh38, chr17:35,553,051, plus strand): 5'-AGAGCCTGCAGCAAGTCTTCCATTTCCTCCTCATCAGCAAGCCTGTAGGACCTGGGGTAA[C>T]GCAGGGGGATCTCACCAGGTCTACTCTGTGTGCTGCTCAGGTGTATCAGCCTTGGAATGA-3'
Protein context (NP_001123292.1, residues 518-538): TQSRPGEIPL[Arg528His]YPRSYRLADE

ClinVar aggregate classification (germline): Benign/Likely benign. Review status: criteria provided, multiple submitters, no conflicts (2 of 4 stars). 5 submissions from 5 submitters: Benign (3); Likely benign (2). Last evaluated 2024-10-29.

Conditions:
SLFN14-related disorder. Also called: SLFN14-related condition.

Allele frequency attached by ClinVar (database versions not stated): gnomAD exomes 0.00060 and 0.00126; ExAC 0.00218; ESP Exome Variant Server 0.00591; 1000 Genomes Project 0.00619; gnomAD 0.00626 and 0.00668; TOPMed 0.00686; 1000 Genomes Project 30x 0.00718.

Submissions (5):

PreventionGenetics, part of Exact Sciences
Classification: Benign for SLFN14-related condition. Last evaluated: 2024-10-29. Review status: criteria provided, single submitter. Criteria: ACMG Guidelines, 2015. Collection method: clinical testing. Allele origin: germline.
Comment: This variant is classified as benign based on ACMG/AMP sequence variant interpretation guidelines (Richards et al. 2015 PMID: 25741868, with internal and published modifications).

Mayo Clinic Laboratories, Mayo Clinic
Classification: Benign. Last evaluated: 2024-10-16. Review status: criteria provided, single submitter. Criteria: ACMG Guidelines, 2015. Collection method: clinical testing. Allele origin: germline. Observed: 5 variant alleles.
Comment: BS1, BS2, BP4

Blueprint Genetics
Classification: Likely benign. Last evaluated: 2024-07-11. Review status: criteria provided, single submitter. Criteria: ACMG Guidelines, 2015. Collection method: clinical testing. Allele origin: germline.

Genetic Services Laboratory, University of Chicago
Classification: Benign. Last evaluated: 2021-01-04. Review status: criteria provided, single submitter. Criteria: ACMG Guidelines, 2015. Collection method: clinical testing. Allele origin: germline. Affected: no.

Breakthrough Genomics
Classification: Likely benign. Review status: criteria provided, single submitter. Criteria: ACMG Guidelines, 2015. Collection method: not provided. Allele origin: germline. Inheritance: Autosomal dominant inheritance. Affected: yes.